The following is an entry in ClinVar:

NM_013247.5(HTRA2):c.1334G>A (p.Arg445Gln)

Genes: HTRA2 (HtrA serine peptidase 2; plus strand), LOXL3 (lysyl oxidase like 3; minus strand). Cytogenetic location: 2p13.1.
Variant type: single nucleotide variant.
Coding change: c.1334G>A on transcript NM_013247.5 (MANE Select); coding-DNA position 1334, G replaced by A.
Protein change: p.Arg445Gln; replaces arginine 445 with glutamine.
Molecular consequence: missense variant. On other transcripts: non-coding transcript variant (4), 3 prime UTR variant (3).
Genome position (GRCh38, 1-based): chr2:74,532,942, G>A. VCF-style: chr2-74532942-G-A. GRCh37 (hg19) VCF-style: chr2-74760069-G-A.
Other names: c.1268G>A, p.Arg423Gln (NM_001321727.1); c.1238G>A, p.Arg413Gln (NM_001321728.1); c.1043G>A, p.Arg348Gln (NM_145074.2); c.*664C>T (NM_001289164.3, NM_001289165.2, NM_032603.5); short protein forms R348Q, R413Q, R423Q, R445Q.
Identifiers: ClinVar variation 2421717 (VCV002421717.5), dbSNP rs1251760357, ClinGen allele CA347383177.

ClinVar aggregate classification (germline): Uncertain significance (1 of 4 stars; one submission).

Allele frequency attached by ClinVar (database versions not stated): gnomAD exomes 0.00001.
gnomAD v4.1: 21 of 1,613,860 alleles (0.0013%); highest among the groups gnomAD compares: Admixed American, 0.0017%; no homozygotes.

Submission:

Labcorp Genetics (formerly Invitae), Labcorp
Classification: Uncertain significance. Last evaluated: 2024-06-22. Review status: criteria provided, single submitter. Criteria: Invitae Variant Classification Sherloc (09022015). Collection method: clinical testing. Allele origin: germline.
Comment: This sequence change replaces arginine, which is basic and polar, with glutamine, which is neutral and polar, at codon 445 of the HTRA2 protein (p.Arg445Gln). This variant is present in population databases (no rsID available, gnomAD 0.003%). This variant has not been reported in the literature in individuals affected with HTRA2-related conditions. ClinVar contains an entry for this variant (Variation ID: 2421717). Advanced modeling of protein sequence and biophysical properties (such as structural, functional, and spatial information, amino acid conservation, physicochemical variation, residue mobility, and thermodynamic stability) performed at Invitae indicates that this missense variant is not expected to disrupt HTRA2 protein function with a negative predictive value of 80%. In summary, the available evidence is currently insufficient to determine the role of this variant in disease. Therefore, it has been classified as a Variant of Uncertain Significance.